The following is an entry in ClinVar:

NM_002485.5(NBN):c.158C>G (p.Ser53Cys)

Gene: NBN (nibrin; minus strand). Cytogenetic location: 8q21.3.
Variant type: single nucleotide variant.
Coding change: c.158C>G on transcript NM_002485.5 (MANE Select); coding-DNA position 158, C replaced by G.
Protein change: p.Ser53Cys; replaces serine 53 with cysteine.
Molecular consequence: missense variant. On other transcripts: 5 prime UTR variant (1).
Genome position (GRCh38, 1-based): chr8:89,982,735, G>C on the plus strand (C>G on the coding strand, the complement: NBN is on the minus strand). VCF-style: chr8-89982735-G-C. GRCh37 (hg19) VCF-style: chr8-90994963-G-C.
Other names: c.-139C>G (NM_001024688.3); short protein forms S53C.
Identifiers: ClinVar variation 1313609 (VCV001313609.9), dbSNP rs876660243, ClinGen allele CA371662928.

ClinVar aggregate classification (germline): Uncertain significance. Review status: criteria provided, multiple submitters, no conflicts (2 of 4 stars). 3 submissions from 3 submitters: Uncertain significance (3). Last evaluated 2024-02-19.

Conditions:
Hereditary cancer-predisposing syndrome. Also called: Neoplastic Syndromes, Hereditary; Hereditary Cancer Syndrome; Tumor predisposition; Hereditary neoplastic syndrome. Identifiers: Orphanet 140162, MedGen C0027672, MeSH D009386, MONDO:0015356.
Microcephaly, normal intelligence and immunodeficiency (NBS). Also called: IMMUNODEFICIENCY, MICROCEPHALY, AND CHROMOSOMAL INSTABILITY; Ataxia telangiectasia variant V1; Immunodeficiency, microcephaly with normal intelligence; SEEMANOVA SYNDROME II; Nijmegen breakage syndrome; Microcephaly with normal intelligence immunodeficiency and lymphoreticular malignancies. Identifiers: Orphanet 647, MedGen C0398791, MONDO:0009623, OMIM 251260.

gnomAD v4.1: 5 of 1,613,952 alleles (0.00031%); highest among the groups gnomAD compares: Non-Finnish European, 0.00042%; no homozygotes.

Submissions (3):

Ambry Genetics
Classification: Uncertain significance for Hereditary cancer-predisposing syndrome. Last evaluated: 2024-02-19. Review status: criteria provided, single submitter. Criteria: Ambry Variant Classification Scheme 2023. Collection method: clinical testing. Allele origin: germline.
Comment: The p.S53C variant (also known as c.158C>G), located in coding exon 2 of the NBN gene, results from a C to G substitution at nucleotide position 158. The serine at codon 53 is replaced by cysteine, an amino acid with dissimilar properties. This amino acid position is not well conserved in available vertebrate species. In addition, the in silico prediction for this alteration is inconclusive. Based on the available evidence, the clinical significance of this alteration remains unclear.

Labcorp Genetics (formerly Invitae), Labcorp
Classification: Uncertain significance for Microcephaly, normal intelligence and immunodeficiency. Last evaluated: 2021-11-30. Review status: criteria provided, single submitter. Criteria: Invitae Variant Classification Sherloc (09022015). Collection method: clinical testing. Allele origin: germline.
Comment: This variant has not been reported in the literature in individuals affected with NBN-related conditions. In summary, the available evidence is currently insufficient to determine the role of this variant in disease. Therefore, it has been classified as a Variant of Uncertain Significance. Algorithms developed to predict the effect of missense changes on protein structure and function are either unavailable or do not agree on the potential impact of this missense change (SIFT: "Deleterious"; PolyPhen-2: "Probably Damaging"; Align-GVGD: "Class C0"). ClinVar contains an entry for this variant (Variation ID: 1313609). This variant is not present in population databases (gnomAD no frequency). This sequence change replaces serine, which is neutral and polar, with cysteine, which is neutral and slightly polar, at codon 53 of the NBN protein (p.Ser53Cys).

GeneDx
Classification: Uncertain significance. Last evaluated: 2020-10-26. Review status: criteria provided, single submitter. Criteria: GeneDx Variant Classification Process June 2021. Collection method: clinical testing. Allele origin: germline. Affected: yes.
Comment: Not observed in large population cohorts (Lek 2016); In silico analysis supports that this missense variant does not alter protein structure/function; Has not been previously published as pathogenic or benign to our knowledge